The following is an entry in ClinVar:

ClinVar aggregate classification (germline): Uncertain significance (1 of 4 stars; one submission).

Conditions:
Autosomal dominant hypocalcemia 1 (HYPOC1). Also called: HYPOCALCEMIA, FAMILIAL. Identifiers: MedGen C3715128, MONDO:0011013, OMIM 601198.
Familial hypocalciuric hypercalcemia (FHH). Also called: Familial benign hypercalcemia. Identifiers: Orphanet 405, MedGen C1809471, MONDO:0018458.

Submission:

Labcorp Genetics (formerly Invitae), Labcorp
Classification: Uncertain significance for Familial hypocalciuric hypercalcemia; Autosomal dominant hypocalcemia 1. Last evaluated: 2023-02-23. Review status: criteria provided, single submitter. Criteria: Invitae Variant Classification Sherloc (09022015). Collection method: clinical testing. Allele origin: germline.
Comment: In summary, the available evidence is currently insufficient to determine the role of this variant in disease. Therefore, it has been classified as a Variant of Uncertain Significance. This sequence change replaces glutamic acid, which is acidic and polar, with lysine, which is basic and polar, at codon 536 of the CASR protein (p.Glu536Lys). This variant is not present in population databases (gnomAD no frequency). This variant has not been reported in the literature in individuals affected with CASR-related conditions. An algorithm developed to predict the effect of missense changes on protein structure and function (PolyPhen-2) suggests that this variant is likely to be disruptive.

NM_000388.4(CASR):c.1606G>A (p.Glu536Lys)

Gene: CASR (calcium sensing receptor; plus strand). Cytogenetic location: 3q21.1.
Variant type: single nucleotide variant.
Coding change: c.1606G>A on transcript NM_000388.4 (MANE Select); coding-DNA position 1606, G replaced by A.
Protein change: p.Glu536Lys; replaces glutamic acid 536 with lysine.
Molecular consequence: missense variant.
Genome position (GRCh38, 1-based): chr3:122,276,040, G>A. VCF-style: chr3-122276040-G-A. GRCh37 (hg19) VCF-style: chr3-121994887-G-A.
Other names: c.1606G>A, p.Glu536Lys (NM_001178065.2); short protein forms E536K.
Identifiers: ClinVar variation 2944646 (VCV002944646.3), dbSNP rs2473258608, ClinGen allele CA354155588.
Genomic context (GRCh38, chr3:122,276,040, plus strand): 5'-AAGAAGGGAGAAAGACTCTTCATCAACGAGGAGAAAATCCTGTGGAGTGGGTTCTCCAGG[G>A]AGGTAGGTGCTGTCCATCAGAAAACCAGATGTCTCCACCAGGGGCAGGAAACTGTGCTGG-3'
Protein context (NP_000379.3, residues 526-546): EKILWSGFSR[Glu536Lys]VPFSNCSRDC